The following is an entry in ClinVar:

NM_001451.3(FOXF1):c.44_45insAGGCGG (p.Gly23_Ala24insGlyGly)

Gene: FOXF1 (forkhead box F1; plus strand). Cytogenetic location: 16q24.1.
Variant type: Insertion.
Coding change: c.44_45insAGGCGG on transcript NM_001451.3 (MANE Select); coding-DNA positions 44 to 45, AGGCGG inserted.
Protein change: p.Gly23_Ala24insGlyGly.
Molecular consequence: inframe insertion.
Genome position: GRCh38 VCF-style: chr16-86510608-C-CGGCGGA. GRCh37 (hg19) VCF-style: chr16-86544214-C-CGGCGGA.
Identifiers: ClinVar variation 1950436 (VCV001950436.5), dbSNP rs1362276202, ClinGen allele CA624445503.
Genomic context (GRCh38, chr16:86,510,608, plus strand): 5'-CGGCGGCGGCAGCAGCCACCCGATGTCTTCGGCGCCCGAGAAGCAGCAGCCACCGCACGG[C>CGGCGGA]GGCGGCGGCGGCGGCGGCGGGGGAGGCGGCGCGGCCATGGACCCCGCGTCGTCCGGCCCG-3'

ClinVar aggregate classification (germline): Uncertain significance (1 of 4 stars; one submission).

Submission:

Labcorp Genetics (formerly Invitae), Labcorp
Classification: Uncertain significance. Last evaluated: 2022-09-27. Review status: criteria provided, single submitter. Criteria: Invitae Variant Classification Sherloc (09022015). Collection method: clinical testing. Allele origin: germline.
Comment: This variant, c.44_45insAGGCGG, results in the insertion of 2 amino acid(s) of the FOXF1 protein (p.Gly22_Gly23dup), but otherwise preserves the integrity of the reading frame. The frequency data for this variant in the population databases is considered unreliable, as metrics indicate poor data quality at this position in the gnomAD database. This variant has been observed in individual(s) with alveolar capillary dysplasia with misalignment of pulmonary veins (PMID: 27071622). Experimental studies and prediction algorithms are not available or were not evaluated, and the functional significance of this variant is currently unknown. In summary, the available evidence is currently insufficient to determine the role of this variant in disease. Therefore, it has been classified as a Variant of Uncertain Significance.

Literature cited by the submitters: PubMed 27071622.